The following is an entry in ClinVar:

ClinVar aggregate classification (germline): Uncertain significance. Review status: criteria provided, multiple submitters, no conflicts (2 of 4 stars). 2 submissions from 2 submitters: Uncertain significance (2). Last evaluated 2022-05-13.

Conditions:
Congenital neutropenia-myelofibrosis-nephromegaly syndrome. Also called: Severe congenital neutropenia 5, autosomal recessive. Identifiers: Orphanet 369852, MedGen C3809031, MONDO:0014118, OMIM 615285.

Allele frequency attached by ClinVar (database versions not stated): gnomAD exomes 0.00003 and 0.00001; TOPMed 0.00004; gnomAD 0.00005 and 0.00006.
gnomAD v4.1: 15 of 1,613,216 alleles (0.00093%); highest among the groups gnomAD compares: Admixed American, 0.025%; no homozygotes.

Submissions (2):

Labcorp Genetics (formerly Invitae), Labcorp
Classification: Uncertain significance for Congenital neutropenia-myelofibrosis-nephromegaly syndrome. Last evaluated: 2022-05-13. Review status: criteria provided, single submitter. Criteria: Invitae Variant Classification Sherloc (09022015). Collection method: clinical testing. Allele origin: germline.
Comment: This sequence change replaces lysine, which is basic and polar, with asparagine, which is neutral and polar, at codon 296 of the VPS45 protein (p.Lys296Asn). This variant is present in population databases (no rsID available, gnomAD 0.02%). This variant has not been reported in the literature in individuals affected with VPS45-related conditions. ClinVar contains an entry for this variant (Variation ID: 437262). Algorithms developed to predict the effect of missense changes on protein structure and function are either unavailable or do not agree on the potential impact of this missense change (SIFT: "Tolerated"; PolyPhen-2: "Possibly Damaging"; Align-GVGD: "Class C0"). In summary, the available evidence is currently insufficient to determine the role of this variant in disease. Therefore, it has been classified as a Variant of Uncertain Significance.

Genetic Services Laboratory, University of Chicago
Classification: Uncertain significance. Last evaluated: 2015-10-06. Review status: criteria provided, single submitter. Criteria: ACMG Guidelines, 2015. Collection method: clinical testing. Allele origin: germline. Affected: no.

NM_007259.5(VPS45):c.888G>C (p.Lys296Asn)

Gene: VPS45 (vacuolar protein sorting 45 homolog; plus strand). Cytogenetic location: 1q21.2.
Variant type: single nucleotide variant.
Coding change: c.888G>C on transcript NM_007259.5 (MANE Select); coding-DNA position 888, G replaced by C.
Protein change: p.Lys296Asn; replaces lysine 296 with asparagine.
Molecular consequence: missense variant. On other transcripts: non-coding transcript variant (1).
Genome position (GRCh38, 1-based): chr1:150,081,949, G>C. VCF-style: chr1-150081949-G-C. GRCh37 (hg19) VCF-style: chr1-150054031-G-C.
Other names: c.573G>C, p.Lys191Asn (NM_001279353.2); c.780G>C, p.Lys260Asn (NM_001279354.2); short protein forms K296N, K191N, K260N.
Identifiers: ClinVar variation 437262 (VCV000437262.7), dbSNP rs1315600520, ClinGen allele CA342251736.